The following is an entry in ClinVar:

ClinVar aggregate classification (germline): Uncertain significance. Review status: criteria provided, multiple submitters, no conflicts (2 of 4 stars). 2 submissions from 2 submitters: Uncertain significance (2). Last evaluated 2025-06-30.

Conditions:
Inborn genetic diseases. Identifiers: MedGen C0950123, MeSH D030342.
Tay-Sachs disease, variant AB. Also called: Gm2-gangliosidosis, ab variant; GM2 Activator Deficiency. Identifiers: Orphanet 309246, MedGen C0268275, MONDO:0010099, OMIM 272750.

gnomAD v4.1: 47 of 1,613,802 alleles (0.0029%); highest among the groups gnomAD compares: African/African-American, 0.011%; no homozygotes.

Submissions (2):

Labcorp Genetics (formerly Invitae), Labcorp
Classification: Uncertain significance for Tay-Sachs disease, variant AB. Last evaluated: 2025-06-30. Review status: criteria provided, single submitter. Criteria: Invitae Variant Classification Sherloc (09022015). Collection method: clinical testing. Allele origin: germline.
Comment: This sequence change replaces leucine, which is neutral and non-polar, with proline, which is neutral and non-polar, at codon 4 of the GM2A protein (p.Leu4Pro). The frequency data for this variant in the population databases is considered unreliable, as metrics indicate poor data quality at this position in the gnomAD database. This variant has not been reported in the literature in individuals affected with GM2A-related conditions. ClinVar contains an entry for this variant (Variation ID: 3854399). An algorithm developed to predict the effect of missense changes on protein structure and function outputs the following: PolyPhen-2: "Not Available". The proline amino acid residue is found in multiple mammalian species, which suggests that this missense change does not adversely affect protein function. In summary, the available evidence is currently insufficient to determine the role of this variant in disease. Therefore, it has been classified as a Variant of Uncertain Significance.

Ambry Genetics
Classification: Uncertain significance for Inborn genetic diseases. Last evaluated: 2025-01-24. Review status: criteria provided, single submitter. Criteria: Ambry Variant Classification Scheme 2023. Collection method: clinical testing. Allele origin: germline.

NM_000405.5(GM2A):c.11T>C (p.Leu4Pro)

Gene: GM2A (ganglioside GM2 activator; plus strand). Cytogenetic location: 5q33.1.
Variant type: single nucleotide variant.
Coding change: c.11T>C on transcript NM_000405.5 (MANE Select); coding-DNA position 11, T replaced by C.
Protein change: p.Leu4Pro; replaces leucine 4 with proline.
Molecular consequence: missense variant.
Genome position (GRCh38, 1-based): chr5:151,253,227, T>C. VCF-style: chr5-151253227-T-C. GRCh37 (hg19) VCF-style: chr5-150632788-T-C.
Other names: c.11T>C, p.Leu4Pro (NM_001167607.3); short protein forms L4P.
Identifiers: ClinVar variation 3854399 (VCV003854399.2).